The following is an entry in ClinVar:

ClinVar aggregate classification (germline): Uncertain significance (1 of 4 stars; one submission).

Submission:

Labcorp Genetics (formerly Invitae), Labcorp
Classification: Uncertain significance. Last evaluated: 2025-11-24. Review status: criteria provided, single submitter. Criteria: Invitae Variant Classification Sherloc (09022015). Collection method: clinical testing. Allele origin: germline.
Comment: This sequence change creates a premature translational stop signal (p.Leu833Trpfs*2) in the SAMD9L gene. While this is not anticipated to result in nonsense mediated decay, it is expected to disrupt the last 752 amino acid(s) of the SAMD9L protein. This variant is not present in population databases (gnomAD no frequency). This variant has not been reported in the literature in individuals affected with SAMD9L-related conditions. Experimental studies and prediction algorithms are not available or were not evaluated, and the functional significance of this variant is currently unknown. In summary, the available evidence is currently insufficient to determine the role of this variant in disease. Therefore, it has been classified as a Variant of Uncertain Significance.

NM_152703.5(SAMD9L):c.2496del (p.Leu833fs)

Gene: SAMD9L (sterile alpha motif domain containing 9 like; minus strand). Cytogenetic location: 7q21.2.
Variant type: Deletion.
Coding change: c.2496del on transcript NM_152703.5 (MANE Select); coding-DNA position 2496, one base deleted (A; older notation c.2496delA).
Protein change: p.Leu833fs; shifts the reading frame from leucine 833.
Molecular consequence: frameshift variant.
Genome position (GRCh38, 1-based): chr7:93,133,476, T deleted on the plus strand (A on the coding strand, the reverse complement: SAMD9L is on the minus strand). VCF-style (leftmost placement, unchanged base first): chr7-93133475-AT-A. GRCh37 (hg19) VCF-style: chr7-92762788-AT-A.
Other names: c.2496del, p.Leu833fs (NM_001303496.3, NM_001303497.3, NM_001303498.3 and 5 more transcripts); short protein forms L833fs.
Identifiers: ClinVar variation 4723103 (VCV004723103.1).